The following is an entry in ClinVar:

NM_022089.4(ATP13A2):c.4A>T (p.Ser2Cys)

Genes: ATP13A2 (ATPase cation transporting 13A2; minus strand), LOC129929540 (ATAC-STARR-seq lymphoblastoid silent region 339; plus strand). Cytogenetic location: 1p36.13.
Variant type: single nucleotide variant.
Coding change: c.4A>T on transcript NM_022089.4 (MANE Select); coding-DNA position 4, A replaced by T.
Protein change: p.Ser2Cys; replaces serine 2 with cysteine.
Molecular consequence: missense variant.
Genome position (GRCh38, 1-based): chr1:17,011,735, T>A on the plus strand (A>T on the coding strand, the complement: ATP13A2 is on the minus strand). VCF-style: chr1-17011735-T-A. GRCh37 (hg19) VCF-style: chr1-17338230-T-A.
Other names: c.4A>T, p.Ser2Cys (NM_001141973.3, NM_001141974.3); short protein forms S2C.
Identifiers: ClinVar variation 1393891 (VCV001393891.1), dbSNP rs2101432066, ClinGen allele CA338267563.

ClinVar aggregate classification (germline): Uncertain significance (1 of 4 stars; one submission).

Conditions:
Kufor-Rakeb syndrome (KRS). Also called: PARKINSON DISEASE 9, AUTOSOMAL RECESSIVE, JUVENILE-ONSET. Identifiers: Orphanet 306674, Orphanet 314632, MedGen C1847640, MONDO:0011706, OMIM 606693.
Autosomal recessive spastic paraplegia type 78. Identifiers: Orphanet 513436, MedGen C5567893, MONDO:0014975, OMIM 617225.

Submission:

Labcorp Genetics (formerly Invitae), Labcorp
Classification: Uncertain significance for Kufor-Rakeb syndrome; Autosomal recessive spastic paraplegia type 78. Last evaluated: 2021-11-23. Review status: criteria provided, single submitter. Criteria: Invitae Variant Classification Sherloc (09022015). Collection method: clinical testing. Allele origin: germline.
Comment: This sequence change replaces serine, which is neutral and polar, with cysteine, which is neutral and slightly polar, at codon 2 of the ATP13A2 protein (p.Ser2Cys). This variant is not present in population databases (gnomAD no frequency). This variant has not been reported in the literature in individuals affected with ATP13A2-related conditions. Advanced modeling of protein sequence and biophysical properties (such as structural, functional, and spatial information, amino acid conservation, physicochemical variation, residue mobility, and thermodynamic stability) performed at Invitae indicates that this missense variant is not expected to disrupt ATP13A2 protein function. Algorithms developed to predict the effect of sequence changes on RNA splicing suggest that this variant may create or strengthen a splice site. In summary, the available evidence is currently insufficient to determine the role of this variant in disease. Therefore, it has been classified as a Variant of Uncertain Significance.